The following is an entry in ClinVar:

ClinVar aggregate classification (germline): Uncertain significance. Review status: criteria provided, multiple submitters, no conflicts (2 of 4 stars). 2 submissions from 2 submitters: Uncertain significance (2). Last evaluated 2026-01-21.

Conditions:
Inborn genetic diseases. Identifiers: MedGen C0950123, MeSH D030342.

gnomAD v4.1: 3 of 1,609,698 alleles (0.00019%); highest among the groups gnomAD compares: Non-Finnish European, 0.00025%; no homozygotes.

Submissions (2):

Ambry Genetics
Classification: Uncertain significance for Inborn genetic diseases. Last evaluated: 2026-01-21. Review status: criteria provided, single submitter. Criteria: Ambry Variant Classification Scheme 2023. Collection method: clinical testing. Allele origin: germline.

GeneDx
Classification: Uncertain significance. Last evaluated: 2025-03-20. Review status: criteria provided, single submitter. Criteria: GeneDx Variant Classification Process June 2021. Collection method: clinical testing. Allele origin: germline. Affected: yes.
Comment: Not observed at significant frequency in large population cohorts (gnomAD); In silico analysis supports that this missense variant has a deleterious effect on protein structure/function; Has not been previously published as pathogenic or benign to our knowledge

NM_001845.6(COL4A1):c.866C>A (p.Pro289His)

Gene: COL4A1 (collagen type IV alpha 1 chain; minus strand). Cytogenetic location: 13q34.
Variant type: single nucleotide variant.
Coding change: c.866C>A on transcript NM_001845.6 (MANE Select); coding-DNA position 866, C replaced by A.
Protein change: p.Pro289His; replaces proline 289 with histidine.
Molecular consequence: missense variant.
Genome position (GRCh38, 1-based): chr13:110,205,531, G>T on the plus strand (C>A on the coding strand, the complement: COL4A1 is on the minus strand). VCF-style: chr13-110205531-G-T. GRCh37 (hg19) VCF-style: chr13-110857878-G-T.
Other names: c.866C>A, p.Pro289His (NM_001303110.2); short protein forms P289H.
Identifiers: ClinVar variation 4086341 (VCV004086341.2).